The following is an entry in ClinVar:

NM_004260.4(RECQL4):c.1637C>G (p.Pro546Arg)

Gene: RECQL4 (RecQ like helicase 4; minus strand). Cytogenetic location: 8q24.3.
Variant type: single nucleotide variant.
Coding change: c.1637C>G on transcript NM_004260.4 (MANE Select); coding-DNA position 1637, C replaced by G.
Protein change: p.Pro546Arg; replaces proline 546 with arginine.
Molecular consequence: missense variant.
Genome position (GRCh38, 1-based): chr8:144,514,509, G>C on the plus strand (C>G on the coding strand, the complement: RECQL4 is on the minus strand). VCF-style: chr8-144514509-G-C. GRCh37 (hg19) VCF-style: chr8-145739893-G-C.
Other names: short protein forms P546R.
Identifiers: ClinVar variation 644552 (VCV000644552.11), dbSNP rs377298374, ClinGen allele CA4948731.

ClinVar aggregate classification (germline): Uncertain significance. Review status: criteria provided, multiple submitters, no conflicts (2 of 4 stars). 4 submissions from 4 submitters: Uncertain significance (4). Last evaluated 2025-08-07.

Conditions:
Baller-Gerold syndrome (BGS). Also called: CRANIOSYNOSTOSIS WITH RADIAL DEFECTS. Identifiers: Orphanet 1225, MedGen C0265308, MONDO:0009039, OMIM 218600.
Inborn genetic diseases. Identifiers: MedGen C0950123, MeSH D030342.
Hereditary cancer-predisposing syndrome. Also called: Tumor predisposition; Neoplastic Syndromes, Hereditary; Hereditary Cancer Syndrome; Hereditary neoplastic syndrome. Identifiers: Orphanet 140162, MedGen C0027672, MeSH D009386, MONDO:0015356.

gnomAD v4.1: 22 of 1,611,626 alleles (0.0014%); highest among the groups gnomAD compares: Non-Finnish European, 0.0019%; no homozygotes.

Submissions (4):

Ambry Genetics
Classification: Uncertain significance for Inborn genetic diseases. Last evaluated: 2025-08-07. Review status: criteria provided, single submitter. Criteria: Ambry Variant Classification Scheme 2023. Collection method: clinical testing. Allele origin: germline.

Blueprint Genetics
Classification: Uncertain significance. Last evaluated: 2024-03-02. Review status: criteria provided, single submitter. Criteria: ACMG Guidelines, 2015. Collection method: clinical testing. Allele origin: germline.

Labcorp Genetics (formerly Invitae), Labcorp
Classification: Uncertain significance for Baller-Gerold syndrome. Last evaluated: 2024-01-22. Review status: criteria provided, single submitter. Criteria: Invitae Variant Classification Sherloc (09022015). Collection method: clinical testing. Allele origin: germline.
Comment: This sequence change replaces proline, which is neutral and non-polar, with arginine, which is basic and polar, at codon 546 of the RECQL4 protein (p.Pro546Arg). This variant is present in population databases (rs377298374, gnomAD 0.007%). This variant has not been reported in the literature in individuals affected with RECQL4-related conditions. ClinVar contains an entry for this variant (Variation ID: 644552). Advanced modeling of protein sequence and biophysical properties (such as structural, functional, and spatial information, amino acid conservation, physicochemical variation, residue mobility, and thermodynamic stability) performed at Invitae indicates that this missense variant is not expected to disrupt RECQL4 protein function with a negative predictive value of 80%. In summary, the available evidence is currently insufficient to determine the role of this variant in disease. Therefore, it has been classified as a Variant of Uncertain Significance.

Sema4
Classification: Uncertain significance for Hereditary cancer-predisposing syndrome. Last evaluated: 2021-08-23. Review status: criteria provided, single submitter. Criteria: Sema4 Curation Guidelines. Collection method: curation. Allele origin: germline.
Comment: The RECQL4 c.1637C>G (p.P546R) variant has not been reported in the literature to our knowledge. It was observed in 8/111156 chromosomes of the Non-Finnish European subpopulation in the large and broad cohorts of the Genome Aggregation Database (PMID: 32461654). The variant has been reported in ClinVar (Variation ID 644552). In silico tools suggest the impact of the variant on protein function is benign, though these predictions have not been confirmed by functional studies. The evidence is insufficient to meet ACMG/AMP criteria for classifying the variant as benign or pathogenic. Thus, the clinical significance of this variant is currently uncertain.